The following is an entry in ClinVar:

NM_000512.5(GALNS):c.139G>C (p.Gly47Arg)

Gene: GALNS (galactosamine (N-acetyl)-6-sulfatase; minus strand). Cytogenetic location: 16q24.3.
Variant type: single nucleotide variant.
Coding change: c.139G>C on transcript NM_000512.5 (MANE Select); coding-DNA position 139, G replaced by C.
Protein change: p.Gly47Arg; replaces glycine 47 with arginine.
Molecular consequence: missense variant. On other transcripts: intron variant (1).
Genome position (GRCh38, 1-based): chr16:88,842,811, C>G on the plus strand (G>C on the coding strand, the complement: GALNS is on the minus strand). VCF-style: chr16-88842811-C-G. GRCh37 (hg19) VCF-style: chr16-88909219-C-G.
Other names: c.157G>C, p.Gly53Arg (NM_001323544.2); c.-311-840G>C (NM_001323543.2); short protein forms G47R, G53R.
Identifiers: ClinVar variation 1048259 (VCV001048259.3), dbSNP rs199638097, ClinGen allele CA397092065.
Genomic context (GRCh38, chr16:88,842,811, plus strand): 5'-GCCCTTCTGCAGCCATCCGGTCCAAATTCGGGGTCTCTCTGGAGGGCTCTCCATACACCC[C>G]GAGGTCACCCCATCCCATCTGCAGGGAAGAGCACGGGGAGGAGGAATGAGCGCCTTCTGC-3'
Protein context (NP_000503.1, residues 37-57): LMDDMGWGDL[Gly47Arg]VYGEPSRETP

ClinVar aggregate classification (germline): Uncertain significance (1 of 4 stars; one submission).

Conditions:
Mucopolysaccharidosis, MPS-IV-A (MPS4A). Also called: Mucopolysaccharidosis type IV A; Mucopolysaccharidosis Type IVA; Morquio syndrome A, mild; MORQUIO SYNDROME A; MPS IVA; mucopolysaccharidosis type 4A. Identifiers: Orphanet 309297, Orphanet 582, MedGen C0086651, MONDO:0009659, OMIM 253000.

Submission:

Laboratory of Diagnosis and Therapy of Lysosomal Disorders, University of Padova
Classification: Uncertain significance for Mucopolysaccharidosis, MPS-IV-A. Last evaluated: 2021-02-01. Review status: criteria provided, single submitter. Criteria: ACMG Guidelines, 2015. Collection method: curation. Allele origin: germline. Affected: yes.
Comment: In vivo functional studies supportive of a damaging effect on the gene product (low to null enzymatic activity in homozygotes; PS3_supporting); absent from gnomAD v2.1.1 (PM2_moderate); multiple lines of computational evidence support a deleterious effect on the gene (PP3_supporting)

Literature cited by the submitters: PubMed 28844463; PubMed 34387910.